The following is an entry in ClinVar:

ClinVar aggregate classification (germline): Uncertain significance (1 of 4 stars; one submission).

Conditions:
Short-rib thoracic dysplasia 7 with or without polydactyly (SRTD7). Also called: Short rib polydactyly syndrome 5; SHORT-RIB THORACIC DYSPLASIA 7 WITH POLYDACTYLY. Identifiers: Orphanet 498497, Orphanet 93271, MedGen C3279792, MONDO:0013569, OMIM 614091.
Cranioectodermal dysplasia 2 (CED2). Identifiers: Orphanet 1515, MedGen C3150874, MONDO:0013323, OMIM 613610.

Allele frequency attached by ClinVar (database versions not stated): gnomAD exomes below 0.00001; ExAC 0.00001.
gnomAD v4.1: 2 of 1,613,948 alleles (0.00012%); highest among the groups gnomAD compares: Admixed American, 0.0017%; no homozygotes.

Submission:

Labcorp Genetics (formerly Invitae), Labcorp
Classification: Uncertain significance for Cranioectodermal dysplasia 2; Short-rib thoracic dysplasia 7 with or without polydactyly. Last evaluated: 2022-05-12. Review status: criteria provided, single submitter. Criteria: Invitae Variant Classification Sherloc (09022015). Collection method: clinical testing. Allele origin: germline.
Comment: In summary, the available evidence is currently insufficient to determine the role of this variant in disease. Therefore, it has been classified as a Variant of Uncertain Significance. Algorithms developed to predict the effect of sequence changes on RNA splicing suggest that this variant may disrupt the consensus splice site. This variant has not been reported in the literature in individuals affected with WDR35-related conditions. This variant is present in population databases (rs760663779, gnomAD 0.006%). This sequence change affects codon 47 of the WDR35 mRNA. It is a 'silent' change, meaning that it does not change the encoded amino acid sequence of the WDR35 protein. It affects a nucleotide within the consensus splice site.

NM_020779.4(WDR35):c.141A>G (p.Thr47=)

Gene: WDR35 (WD repeat domain 35; minus strand). Cytogenetic location: 2p24.1.
Variant type: single nucleotide variant.
Coding change: c.141A>G on transcript NM_020779.4 (MANE Select); coding-DNA position 141, A replaced by G.
Protein change: p.Thr47=; no amino-acid change (threonine 47 retained).
Molecular consequence: synonymous variant.
Genome position (GRCh38, 1-based): chr2:19,989,166, T>C on the plus strand (A>G on the coding strand, the complement: WDR35 is on the minus strand). VCF-style: chr2-19989166-T-C. GRCh37 (hg19) VCF-style: chr2-20188927-T-C.
Other names: c.141A>G, p.Thr47= (NM_001006657.2).
Identifiers: ClinVar variation 2202287 (VCV002202287.4), dbSNP rs760663779, ClinGen allele CA1543635.
Genomic context (GRCh38, chr2:19,989,166, plus strand): 5'-CACTGAACAAATAACATTAGCCAATTTACTACCAAACATGTGGGCTTGCATTCATTTACC[T>C]GTCTGCGTCTCTAATTTCAAAACTTTCAGTAATCCATCTTCACCACCGCATGCTATGAAC-3'
Protein context (NP_065830.2, residues 37-57): LLKVLKLETQ[Thr47=]DDAKLRGLAA